The following is an entry in ClinVar:

NM_004336.5(BUB1):c.1793G>A (p.Gly598Glu)

Gene: BUB1 (BUB1 mitotic checkpoint serine/threonine kinase; minus strand). Cytogenetic location: 2q13.
Variant type: single nucleotide variant.
Coding change: c.1793G>A on transcript NM_004336.5 (MANE Select); coding-DNA position 1793, G replaced by A.
Protein change: p.Gly598Glu; replaces glycine 598 with glutamic acid.
Molecular consequence: missense variant.
Genome position (GRCh38, 1-based): chr2:110,655,822, C>T on the plus strand (G>A on the coding strand, the complement: BUB1 is on the minus strand). VCF-style: chr2-110655822-C-T. GRCh37 (hg19) VCF-style: chr2-111413399-C-T.
Other names: c.1733G>A, p.Gly578Glu (NM_001278616.2); c.1793G>A, p.Gly598Glu (NM_001278617.2); short protein forms G578E, G598E.
Identifiers: ClinVar variation 3224018 (VCV003224018.1), dbSNP rs2468001924, ClinGen allele CA348210790.

ClinVar aggregate classification (germline): Uncertain significance (1 of 4 stars; one submission).

Submission:

Ambry Genetics
Classification: Uncertain significance. Last evaluated: 2023-09-27. Review status: criteria provided, single submitter. Criteria: Ambry Variant Classification Scheme 2023. Collection method: clinical testing. Allele origin: germline.
Comment: The p.G598E variant (also known as c.1793G>A), located in coding exon 16 of the BUB1 gene, results from a G to A substitution at nucleotide position 1793. The glycine at codon 598 is replaced by glutamic acid, an amino acid with similar properties. This amino acid position is conserved. In addition, this alteration is predicted to be tolerated by in silico analysis. Since supporting evidence is limited at this time, the clinical significance of this alteration remains unclear.